The following is an entry in ClinVar:

ClinVar aggregate classification (germline): Uncertain significance (1 of 4 stars; one submission).

Submission:

Labcorp Genetics (formerly Invitae), Labcorp
Classification: Uncertain significance. Last evaluated: 2022-05-16. Review status: criteria provided, single submitter. Criteria: Invitae Variant Classification Sherloc (09022015). Collection method: clinical testing. Allele origin: germline.
Comment: In summary, the available evidence is currently insufficient to determine the role of this variant in disease. Therefore, it has been classified as a Variant of Uncertain Significance. Algorithms developed to predict the effect of missense changes on protein structure and function are either unavailable or do not agree on the potential impact of this missense change (SIFT: "Deleterious"; PolyPhen-2: "Benign"; Align-GVGD: "Class C35"). This variant has not been reported in the literature in individuals affected with BMP1-related conditions. This variant is not present in population databases (gnomAD no frequency). This sequence change replaces threonine, which is neutral and polar, with proline, which is neutral and non-polar, at codon 780 of the BMP1 protein (p.Thr780Pro).

NM_006129.5(BMP1):c.2338A>C (p.Thr780Pro)

Gene: BMP1 (bone morphogenetic protein 1; plus strand). Cytogenetic location: 8p21.3.
Variant type: single nucleotide variant.
Coding change: c.2338A>C on transcript NM_006129.5 (MANE Select); coding-DNA position 2338, A replaced by C.
Protein change: p.Thr780Pro; replaces threonine 780 with proline.
Molecular consequence: missense variant. On other transcripts: non-coding transcript variant (1).
Genome position (GRCh38, 1-based): chr8:22,206,958, A>C. VCF-style: chr8-22206958-A-C. GRCh37 (hg19) VCF-style: chr8-22064471-A-C.
Other names: short protein forms T780P.
Identifiers: ClinVar variation 1995054 (VCV001995054.4), dbSNP rs1586474214, ClinGen allele CA370508189.